The following continues an entry in ClinVar:

NM_000059.4(BRCA2):c.1151C>T (p.Ser384Phe)

Gene: BRCA2. ClinVar aggregate classification (germline): Benign. Benign (1).

Submissions 18 to 42 of 42:

Illumina Laboratory Services, Illumina
Classification: Uncertain significance for Fanconi anemia complementation group D1. Last evaluated: 2018-03-06. Review status: criteria provided, single submitter. Criteria: ICSL Variant Classification Criteria 13 December 2019. Collection method: clinical testing. Allele origin: germline. Not counted in ClinVar's aggregate classification.

PreventionGenetics, part of Exact Sciences
Classification: Likely benign. Last evaluated: 2018-01-17. Review status: criteria provided, single submitter. Criteria: ACMG Guidelines, 2015. Collection method: clinical testing. Allele origin: germline. Not counted in ClinVar's aggregate classification.

GeneDx
Classification: Benign. Last evaluated: 2017-07-25. Review status: criteria provided, single submitter. Criteria: GeneDx Variant Classification (06012015). Collection method: clinical testing. Allele origin: germline. Affected: yes. Not counted in ClinVar's aggregate classification.
Comment: This variant is considered likely benign or benign based on one or more of the following criteria: it is a conservative change, it occurs at a poorly conserved position in the protein, it is predicted to be benign by multiple in silico algorithms, and/or has population frequency not consistent with disease.

Cancer Genetics and Genomics Laboratory, British Columbia Cancer Agency
Classification: Benign. Last evaluated: 2017-04-18. Review status: criteria provided, single submitter. Criteria: ACMG Guidelines, 2015. Collection method: clinical testing. Allele origin: germline. Study: The Canadian Open Genetics Repository (COGR). Not counted in ClinVar's aggregate classification.

Molecular Genetics Laboratory, University of Michigan
Classification: Likely benign for Breast-ovarian cancer, familial, susceptibility to, 2. Last evaluated: 2016-04-21. Review status: criteria provided, single submitter. Criteria: ACMG Guidelines, 2015. Collection method: clinical testing. Allele origin: germline. Affected: yes. Not counted in ClinVar's aggregate classification.

Laboratory for Molecular Medicine, Mass General Brigham Personalized Medicine
Classification: Uncertain significance. Last evaluated: 2016-03-28. Review status: criteria provided, single submitter. Criteria: LMM Criteria. Collection method: clinical testing. Allele origin: germline. Not counted in ClinVar's aggregate classification.
Comment: Variant identified in a genome or exome case(s) and assessed due to predicted null impact of the variant or pathogenic assertions in the literature or databases. Disclaimer: This variant has not undergone full assessment. The following are preliminary notes: Multiple publications classify as VUS/not pathogenic; ExAC: 0.1% (69/66720) European chromosomes

Clinical Genetics DNA and cytogenetics Diagnostics Lab, Erasmus MC, Erasmus Medical Center
Classification: Benign for Breast-ovarian cancer, familial, susceptibility to, 2. Last evaluated: 2015-09-21. Review status: criteria provided, single submitter. Criteria: ACGS Guidelines, 2013. Collection method: clinical testing. Allele origin: germline. Affected: yes. Study: VKGL Data-share Consensus. Not counted in ClinVar's aggregate classification.

Genetic Services Laboratory, University of Chicago
Classification: Likely benign. Last evaluated: 2015-08-31. Review status: criteria provided, single submitter. Criteria: ACMG Guidelines, 2015. Collection method: clinical testing. Allele origin: germline. Affected: no. Not counted in ClinVar's aggregate classification.

Color Diagnostics, LLC DBA Color Health
Classification: Likely benign for Hereditary cancer-predisposing syndrome. Last evaluated: 2015-02-16. Review status: criteria provided, single submitter. Criteria: ACMG Guidelines, 2015. Collection method: clinical testing. Allele origin: germline. Not counted in ClinVar's aggregate classification.

Ambry Genetics
Classification: Benign for Hereditary cancer-predisposing syndrome. Last evaluated: 2014-11-19. Review status: criteria provided, single submitter. Criteria: Ambry Variant Classification Scheme 2023. Collection method: clinical testing. Allele origin: germline. Not counted in ClinVar's aggregate classification.

Genome Diagnostics Laboratory, University Medical Center Utrecht
Classification: Benign for Breast-ovarian cancer, familial, susceptibility to, 2. Last evaluated: 2014-10-09. Review status: criteria provided, single submitter. Criteria: ACGS Guidelines, 2013. Collection method: clinical testing. Allele origin: germline. Affected: yes. Study: VKGL Data-share Consensus. Not counted in ClinVar's aggregate classification.

Breakthrough Genomics
Classification: Benign. Review status: criteria provided, single submitter. Criteria: ACMG Guidelines, 2015. Collection method: not provided. Allele origin: germline. Inheritance: Autosomal recessive inheritance. Affected: yes. Not counted in ClinVar's aggregate classification.

Mayo Clinic Laboratories, Mayo Clinic
Classification: Likely benign. Last evaluated: 2016-12-08. Review status: no assertion criteria provided. Collection method: clinical testing. Allele origin: unknown. Not counted in ClinVar's aggregate classification.

CSER _CC_NCGL, University of Washington
Classification: Uncertain significance for Breast cancer. Last evaluated: 2014-06-01. Review status: no assertion criteria provided. Collection method: research. Allele origin: germline. Inheritance: Autosomal dominant inheritance. Study: ESP 6500 variant annotation. Not counted in ClinVar's aggregate classification.
Comment: Variants classified for the Actionable exomic incidental findings in 6503 participants: challenges of variant classification manuscript

Research Molecular Genetics Laboratory, Women's College Hospital, University of Toronto
Classification: Benign. Last evaluated: 2014-01-31. Review status: no assertion criteria provided. Collection method: research. Allele origin: germline. Affected: yes. Study: The Canadian Open Genetics Repository (COGR). Not counted in ClinVar's aggregate classification.

Counsyl
Classification: Likely benign for Breast-ovarian cancer, familial 2. Last evaluated: 2014-01-02. Review status: no assertion criteria provided. Collection method: literature only. Allele origin: unknown. Inheritance: Autosomal dominant inheritance. Not counted in ClinVar's aggregate classification.

ITMI
No classification provided. Condition: AllHighlyPenetrant. Last evaluated: 2013-09-19. Review status: no classification provided. Collection method: reference population. Allele origin: germline. Not counted in ClinVar's aggregate classification.
Comment: Please see associated publication for description of ethnicities

Biesecker Lab/Clinical Genomics Section, National Institutes of Health
Classification: Likely benign. Last evaluated: 2012-07-13. Review status: no assertion criteria provided. Collection method: research. Allele origin: germline. Affected: no. Observed: 3 variant alleles. Study: ClinSeq. Not counted in ClinVar's aggregate classification.
ClinVar note: Converted during submission from probably not pathogenic to Likely benign.

Breast Cancer Information Core (BIC) (BRCA2)
Classification: Benign for Breast-ovarian cancer, familial 2. Last evaluated: 2002-05-29. Review status: no assertion criteria provided. Collection method: clinical testing. Allele origin: germline. Affected: yes. Observed: 143 variant alleles. Not counted in ClinVar's aggregate classification.

Foulkes Cancer Genetics LDI, Lady Davis Institute for Medical Research
Classification: Uncertain significance for Breast and/or ovarian cancer. Last evaluated: 2001-08-21. Review status: no assertion criteria provided. Collection method: clinical testing. Allele origin: germline. Study: The Canadian Open Genetics Repository (COGR). Not counted in ClinVar's aggregate classification.

Clinical Genetics Laboratory, Department of Pathology, Netherlands Cancer Institute
Classification: Benign. Review status: no assertion criteria provided. Collection method: clinical testing. Allele origin: germline. Affected: yes. Study: VKGL Data-share Consensus. Not counted in ClinVar's aggregate classification.

Department of Pathology and Laboratory Medicine, Sinai Health System
Classification: Benign. Review status: no assertion criteria provided. Collection method: clinical testing. Allele origin: unknown. Affected: yes. Observed: 4 variant alleles. Study: The Canadian Open Genetics Repository (COGR). Not counted in ClinVar's aggregate classification.
Comment: The p.Ser384Phe variant has been previously observed in our laboratory, and has also been reported in the literature in 127/92430 proband chromosomes of individuals with breast cancer and/ HBOC. It has also been reported in 13/8580 control chromosomes tested (selected publications: Capanu_2011, Chenevix-Trench_2006, Wappenschmidt_2005, Hondow_2011, Johnston_2012, Salazar_2006). In one study, four women from a large kindred suffering from breast cancer were analysed, and the variant was identified in 3/4 women with breast cancer. It was also observed to co-occurr 5 times with the different deleterious mutations Q258X, K2013X, S2219X, 3036del4 and 2046X (German Consortium for Hereditary Breast and Ovarian Cancer and by Myriad Genetic Laboratories). Based on these observations, the authors of the study classified p.Ser384PHe as neutral on the basis of co-occurrence with pathogenic variants and non-cosegregation with disease (Wappenschmidt_2005). The variant has been reported in the UMD (x26), BIC (x143), BOCs and Exome Variant Server databases. In the UMD database, it has been observed to co-occur with the following pathogenic mutations in BRCA1: c.3285delA (p.Lys1095AsnfsX14), c.191G>A (p.Cys64Tyr), c.5128G>T (p.Gly1710X), c.282_288dup (p.Thr97AlafsX2), as well as in BRCA2: c.1796_1800delCTTAT (p.Ser599X), c.2376C>G (p.Tyr792X), increasing the likelihood that the p.Ser384Phe variant does not have any clinical significance. It is listed in the dbSNP database as coming from a "clinical source" (ID#:41293475), but no frequency information was provided, and so the prevalence of this variant in the population is not known. This residue is not conserved in mammals. Computational analyses (PolyPhen, SIFT, AlignGVGD) provide inconsistent predictions regarding the impact to the protein; however, this information is not very predictive of pathogenicity. In summary, based on the above information, this variant is classified as Benign.

Diagnostic Laboratory, Department of Genetics, University Medical Center Groningen
Classification: Benign for Breast-ovarian cancer, familial, susceptibility to, 2. Review status: no assertion criteria provided. Collection method: clinical testing. Allele origin: germline. Affected: yes. Study: VKGL Data-share Consensus. Not counted in ClinVar's aggregate classification.

Joint Genome Diagnostic Labs from Nijmegen and Maastricht, Radboudumc and MUMC+
Classification: Benign. Review status: no assertion criteria provided. Collection method: clinical testing. Allele origin: germline. Affected: yes. Study: VKGL Data-share Consensus. Not counted in ClinVar's aggregate classification.

Laboratory of Diagnostic Genome Analysis, Leiden University Medical Center (LUMC)
Classification: Benign. Review status: no assertion criteria provided. Collection method: clinical testing. Allele origin: germline. Affected: yes. Study: VKGL Data-share Consensus. Not counted in ClinVar's aggregate classification.

Literature cited by the submitters: PubMed 21990134 (cited by Evidence-based Network for the Interpretation of Germline Mutant Alleles (ENIGMA)); PubMed 21952622 (cited by Counsyl); PubMed 15876480 (cited by Counsyl); PubMed 21520273 (cited by Counsyl); PubMed 21702907 (cited by Counsyl); PubMed 16168123 (cited by Counsyl); PubMed 24728327 (cited by ITMI).